The following is an entry in ClinVar:

NM_000465.4(BARD1):c.35C>G (p.Pro12Arg)

Gene: BARD1 (BRCA1 associated RING domain 1; minus strand). Cytogenetic location: 2q35.
Variant type: single nucleotide variant.
Coding change: c.35C>G on transcript NM_000465.4 (MANE Select); coding-DNA position 35, C replaced by G.
Protein change: p.Pro12Arg; replaces proline 12 with arginine.
Molecular consequence: missense variant. On other transcripts: non-coding transcript variant (3).
Genome position (GRCh38, 1-based): chr2:214,809,535, G>C on the plus strand (C>G on the coding strand, the complement: BARD1 is on the minus strand). VCF-style: chr2-214809535-G-C. GRCh37 (hg19) VCF-style: chr2-215674259-G-C.
Other names: c.35C>G, p.Pro12Arg (NM_001282543.2, NM_001282545.2, NM_001282548.2 and 1 more transcripts); short protein forms P12R.
Identifiers: ClinVar variation 848521 (VCV000848521.11), dbSNP rs786203647, ClinGen allele CA350465355.
Genomic context (GRCh38, chr2:214,809,535, plus strand): 5'-CCGCGACCATCCGGTTCCATGGCGGGCGCGGAACGAGGCTCGTTCCCGGAGCGGATCCTC[G>C]GCTGCCGGTTCCTCGGCTGCCGATTATCCGGCATCGTCCCGCCTTCGGATGAAAGGCTCC-3'
Protein context (NP_000456.2, residues 2-22): PDNRQPRNRQ[Pro12Arg]RIRSGNEPRS

ClinVar aggregate classification (germline): Uncertain significance. Review status: criteria provided, multiple submitters, no conflicts (2 of 4 stars). 2 submissions from 2 submitters: Uncertain significance (2). Last evaluated 2025-12-29.

Conditions:
Familial cancer of breast. Also called: BREAST CANCER, FAMILIAL; Hereditary breast cancer; hereditary breast carcinoma. Identifiers: Orphanet 227535, MedGen C0346153, MONDO:0016419, OMIM 114480. Disease mechanism: loss of function.

Submissions (2):

Center for Genomic Medicine, Rigshospitalet, Copenhagen University Hospital
Classification: Uncertain significance. Last evaluated: 2025-12-29. Review status: criteria provided, single submitter. Criteria: ACMG Guidelines, 2015. Collection method: clinical testing. Allele origin: germline.

Labcorp Genetics (formerly Invitae), Labcorp
Classification: Uncertain significance for Familial cancer of breast. Last evaluated: 2019-04-26. Review status: criteria provided, single submitter. Criteria: Invitae Variant Classification Sherloc (09022015). Collection method: clinical testing. Allele origin: germline.
Comment: This variant is not present in population databases (ExAC no frequency). In summary, the available evidence is currently insufficient to determine the role of this variant in disease. Therefore, it has been classified as a Variant of Uncertain Significance. Algorithms developed to predict the effect of missense changes on protein structure and function are either unavailable or do not agree on the potential impact of this missense change (SIFT: "Tolerated"; PolyPhen-2: "Possibly Damaging"; Align-GVGD: "Class C0"). This variant has not been reported in the literature in individuals with BARD1-related conditions. This sequence change replaces proline with arginine at codon 12 of the BARD1 protein (p.Pro12Arg). The proline residue is moderately conserved and there is a moderate physicochemical difference between proline and arginine.